The following is an entry in ClinVar:

ClinVar aggregate classification (germline): Likely benign. Review status: criteria provided, multiple submitters, no conflicts (2 of 4 stars). 2 submissions from 2 submitters: Likely benign (2). Last evaluated 2025-01-13.

Conditions:
Dilated cardiomyopathy 1CC (CMD1CC). Identifiers: Orphanet 154, MedGen C2751084, MONDO:0013147, OMIM 613122.
Hypertrophic cardiomyopathy 20. Identifiers: MedGen C3151267, MONDO:0013477, OMIM 613876.

Allele frequency attached by ClinVar (database versions not stated): gnomAD 0.00001; ESP Exome Variant Server 0.00009.
gnomAD v4.1: 2 of 1,604,884 alleles (0.00012%); highest among the groups gnomAD compares: African/African-American, 0.0013%; no homozygotes.

Submissions (2):

Labcorp Genetics (formerly Invitae), Labcorp
Classification: Likely benign for Dilated cardiomyopathy 1CC; Hypertrophic cardiomyopathy 20. Last evaluated: 2025-01-13. Review status: criteria provided, single submitter. Criteria: Invitae Variant Classification Sherloc (09022015). Collection method: clinical testing. Allele origin: germline.

GeneDx
Classification: Likely benign. Last evaluated: 2018-03-12. Review status: criteria provided, single submitter. Criteria: GeneDx Variant Classification (06012015). Collection method: clinical testing. Allele origin: germline. Affected: yes.
Comment: This variant is considered likely benign or benign based on one or more of the following criteria: it is a conservative change, it occurs at a poorly conserved position in the protein, it is predicted to be benign by multiple in silico algorithms, and/or has population frequency not consistent with disease.

NM_144573.4(NEXN):c.220-6A>G

Gene: NEXN (nexilin F-actin binding protein; plus strand). Cytogenetic location: 1p31.1.
Variant type: single nucleotide variant.
Coding change: c.220-6A>G on transcript NM_144573.4 (MANE Select); 6 bases into the intron before coding-DNA position 220, A replaced by G.
Molecular consequence: intron variant.
Genome position (GRCh38, 1-based): chr1:77,917,954, A>G. VCF-style: chr1-77917954-A-G. GRCh37 (hg19) VCF-style: chr1-78383639-A-G.
Other names: c.28-6A>G (NM_001172309.2).
Identifiers: ClinVar variation 515976 (VCV000515976.3), dbSNP rs374762720, ClinGen allele CA24705267.